The following is an entry in ClinVar:

NM_001844.5(COL2A1):c.2219C>G (p.Pro740Arg)

Gene: COL2A1 (collagen type II alpha 1 chain; minus strand). Cytogenetic location: 12q13.11.
Variant type: single nucleotide variant.
Coding change: c.2219C>G on transcript NM_001844.5 (MANE Select); coding-DNA position 2219, C replaced by G.
Protein change: p.Pro740Arg; replaces proline 740 with arginine.
Molecular consequence: missense variant.
Genome position (GRCh38, 1-based): chr12:47,982,584, G>C on the plus strand (C>G on the coding strand, the complement: COL2A1 is on the minus strand). VCF-style: chr12-47982584-G-C. GRCh37 (hg19) VCF-style: chr12-48376367-G-C.
Other names: c.2012C>G, p.Pro671Arg (NM_033150.3); short protein forms P671R, P740R.
Identifiers: ClinVar variation 2131142 (VCV002131142.4), dbSNP rs774819000, ClinGen allele CA384546248.

ClinVar aggregate classification (germline): Uncertain significance (1 of 4 stars; one submission).

gnomAD v4.1: 1 of 1,613,104 alleles (0.000062%); highest among the groups gnomAD compares: South Asian, 0.0011%; no homozygotes.

Submission:

Labcorp Genetics (formerly Invitae), Labcorp
Classification: Uncertain significance. Last evaluated: 2022-08-23. Review status: criteria provided, single submitter. Criteria: Invitae Variant Classification Sherloc (09022015). Collection method: clinical testing. Allele origin: germline.
Comment: This sequence change replaces proline, which is neutral and non-polar, with arginine, which is basic and polar, at codon 740 of the COL2A1 protein (p.Pro740Arg). This variant is not present in population databases (gnomAD no frequency). In summary, the available evidence is currently insufficient to determine the role of this variant in disease. Therefore, it has been classified as a Variant of Uncertain Significance. Advanced modeling of protein sequence and biophysical properties (such as structural, functional, and spatial information, amino acid conservation, physicochemical variation, residue mobility, and thermodynamic stability) performed at Invitae indicates that this missense variant is not expected to disrupt COL2A1 protein function. This variant has not been reported in the literature in individuals affected with COL2A1-related conditions.